The following is an entry in ClinVar:

NM_005956.4(MTHFD1):c.1807G>A (p.Glu603Lys)

Gene: MTHFD1 (methylenetetrahydrofolate dehydrogenase, cyclohydrolase and formyltetrahydrofolate synthetase 1; plus strand). Cytogenetic location: 14q23.3.
Variant type: single nucleotide variant.
Coding change: c.1807G>A on transcript NM_005956.4 (MANE Select); coding-DNA position 1807, G replaced by A.
Protein change: p.Glu603Lys; replaces glutamic acid 603 with lysine.
Molecular consequence: missense variant.
Genome position (GRCh38, 1-based): chr14:64,440,258, G>A. VCF-style: chr14-64440258-G-A. GRCh37 (hg19) VCF-style: chr14-64906976-G-A.
Other names: c.1807G>A, p.Glu603Lys (NM_001364837.1); short protein forms E603K.
Identifiers: ClinVar variation 2168190 (VCV002168190.1), dbSNP rs146862861, ClinGen allele CA7226354.

ClinVar aggregate classification (germline): Uncertain significance (1 of 4 stars; one submission).

Allele frequency attached by ClinVar (database versions not stated): gnomAD exomes 0.00002; ExAC 0.00008; gnomAD 0.00011; ESP Exome Variant Server 0.00015; TOPMed 0.00015.
gnomAD v4.1: 47 of 1,614,172 alleles (0.0029%); highest among the groups gnomAD compares: African/African-American, 0.021%; no homozygotes.

Submission:

Labcorp Genetics (formerly Invitae), Labcorp
Classification: Uncertain significance. Last evaluated: 2022-07-19. Review status: criteria provided, single submitter. Criteria: Invitae Variant Classification Sherloc (09022015). Collection method: clinical testing. Allele origin: germline.
Comment: This sequence change replaces glutamic acid, which is acidic and polar, with lysine, which is basic and polar, at codon 603 of the MTHFD1 protein (p.Glu603Lys). This variant is present in population databases (rs146862861, gnomAD 0.06%). This variant has not been reported in the literature in individuals affected with MTHFD1-related conditions. Algorithms developed to predict the effect of missense changes on protein structure and function are either unavailable or do not agree on the potential impact of this missense change (SIFT: "Deleterious"; PolyPhen-2: "Possibly Damaging"; Align-GVGD: "Class C0"). In summary, the available evidence is currently insufficient to determine the role of this variant in disease. Therefore, it has been classified as a Variant of Uncertain Significance.